The following is an entry in ClinVar:

ClinVar aggregate classification (germline): Uncertain significance (1 of 4 stars; one submission).

Submission:

GeneDx
Classification: Uncertain significance. Last evaluated: 2024-07-16. Review status: criteria provided, single submitter. Criteria: GeneDx Variant Classification Process June 2021. Collection method: clinical testing. Allele origin: germline. Affected: yes.
Comment: Not observed at significant frequency in large population cohorts (gnomAD); In silico analysis indicates that this missense variant does not alter protein structure/function; Has not been previously published as pathogenic or benign to our knowledge; Also known as p.(Y916H)

NM_001243133.2(NLRP3):c.2746T>C (p.Tyr916His)

Gene: NLRP3 (NLR family pyrin domain containing 3; plus strand). Cytogenetic location: 1q44.
Variant type: single nucleotide variant.
Coding change: c.2746T>C on transcript NM_001243133.2 (MANE Select); coding-DNA position 2746, T replaced by C.
Protein change: p.Tyr916His; replaces tyrosine 916 with histidine.
Molecular consequence: missense variant.
Genome position (GRCh38, 1-based): chr1:247,444,054, T>C. VCF-style: chr1-247444054-T-C. GRCh37 (hg19) VCF-style: chr1-247607356-T-C.
Other names: c.2746T>C, p.Tyr916His (NM_001079821.3); c.2575T>C, p.Tyr859His (NM_001127461.3, NM_001127462.3); c.2752T>C, p.Tyr918His (NM_004895.5); c.2404T>C, p.Tyr802His (NM_183395.3); short protein forms Y802H, Y859H, Y916H, Y918H.
Identifiers: ClinVar variation 3573768 (VCV003573768.1).
Genomic context (GRCh38, chr1:247,444,054, plus strand): 5'-TCAGTCTGTTGTTCAGCTTTGTCCTCGGTACTCAGCACTAATCAGAATCTCACGCACCTT[T>C]ACCTGCGAGGCAACACTCTCGGAGACAAGGGGATCAAACTACTCTGTGAGGGACTCTTGC-3'
Protein context (NP_001230062.1, residues 906-926): LSTNQNLTHL[Tyr916His]LRGNTLGDKG